The following is an entry in ClinVar:

ClinVar aggregate classification (germline): Uncertain significance (1 of 4 stars; one submission).

gnomAD v4.1: 2 of 1,613,898 alleles (0.00012%); highest among the groups gnomAD compares: Admixed American, 0.0017%; no homozygotes.

Submission:

Labcorp Genetics (formerly Invitae), Labcorp
Classification: Uncertain significance. Last evaluated: 2024-07-01. Review status: criteria provided, single submitter. Criteria: Invitae Variant Classification Sherloc (09022015). Collection method: clinical testing. Allele origin: germline.
Comment: This sequence change replaces threonine, which is neutral and polar, with isoleucine, which is neutral and non-polar, at codon 978 of the KL protein (p.Thr978Ile). This variant is not present in population databases (gnomAD no frequency). This variant has not been reported in the literature in individuals affected with KL-related conditions. Advanced modeling of protein sequence and biophysical properties (such as structural, functional, and spatial information, amino acid conservation, physicochemical variation, residue mobility, and thermodynamic stability) performed at Invitae indicates that this missense variant is not expected to disrupt KL protein function with a negative predictive value of 80%. In summary, the available evidence is currently insufficient to determine the role of this variant in disease. Therefore, it has been classified as a Variant of Uncertain Significance.

NM_004795.4(KL):c.2933C>T (p.Thr978Ile)

Gene: KL (klotho; plus strand). Cytogenetic location: 13q13.1.
Variant type: single nucleotide variant.
Coding change: c.2933C>T on transcript NM_004795.4 (MANE Select); coding-DNA position 2933, C replaced by T.
Protein change: p.Thr978Ile; replaces threonine 978 with isoleucine.
Molecular consequence: missense variant.
Genome position (GRCh38, 1-based): chr13:33,064,080, C>T. VCF-style: chr13-33064080-C-T. GRCh37 (hg19) VCF-style: chr13-33638217-C-T.
Other names: short protein forms T978I.
Identifiers: ClinVar variation 3622569 (VCV003622569.2).
Genomic context (GRCh38, chr13:33,064,080, plus strand): 5'-CTCTGGAAAGATTTTGTCCAGAAGAATTCACCGTGTGTACTGAGTGCAGTTTTTTTCACA[C>T]CCGAAAGTCTTTACTGGCTTTCATAGCTTTTCTATTTTTTGCTTCTATTATTTCTCTCTC-3'
Protein context (NP_004786.2, residues 968-988): TVCTECSFFH[Thr978Ile]RKSLLAFIAF